The following is an entry in ClinVar:

NM_000179.3(MSH6):c.884A>T (p.Lys295Ile)

Gene: MSH6 (mutS homolog 6; plus strand). Cytogenetic location: 2p16.3.
Variant type: single nucleotide variant.
Coding change: c.884A>T on transcript NM_000179.3 (MANE Select); coding-DNA position 884, A replaced by T.
Protein change: p.Lys295Ile; replaces lysine 295 with isoleucine.
Molecular consequence: missense variant. On other transcripts: 5 prime UTR variant (2).
Genome position (GRCh38, 1-based): chr2:47,798,867, A>T. VCF-style: chr2-47798867-A-T. GRCh37 (hg19) VCF-style: chr2-48026006-A-T.
Other names: c.494A>T, p.Lys165Ile (NM_001281492.2); c.-23A>T (NM_001281493.2, NM_001281494.2); short protein forms K295I, K165I.
Identifiers: ClinVar variation 187266 (VCV000187266.19), dbSNP rs267608051, ClinGen allele CA016595.
Genomic context (GRCh38, chr2:47,798,867, plus strand): 5'-GTGATGAAATAAGCAGTGGAGTGGGGGATAGTGAGAGTGAAGGCCTGAACAGCCCTGTCA[A>T]AGTTGCTCGAAAGCGGAAGAGAATGGTGACTGGAAATGGCTCTCTTAAAAGGAAAAGCTC-3'
Protein context (NP_000170.1, residues 285-305): SESEGLNSPV[Lys295Ile]VARKRKRMVT

ClinVar aggregate classification (germline): Uncertain significance. Review status: criteria provided, multiple submitters, no conflicts (2 of 4 stars). 6 submissions from 6 submitters: Uncertain significance (6). Last evaluated 2024-10-14.

Conditions:
Hereditary nonpolyposis colorectal neoplasms. Identifiers: MedGen C0009405, MeSH D003123.
Hereditary cancer-predisposing syndrome. Also called: Neoplastic Syndromes, Hereditary; Tumor predisposition; Hereditary Cancer Syndrome; Hereditary neoplastic syndrome. Identifiers: Orphanet 140162, MedGen C0027672, MeSH D009386, MONDO:0015356.
Lynch syndrome. Identifiers: Orphanet 144, MedGen C4552100, MONDO:0005835. Disease mechanism: loss of function.

Submissions (6):

Ambry Genetics
Classification: Uncertain significance for Hereditary cancer-predisposing syndrome. Last evaluated: 2024-10-14. Review status: criteria provided, single submitter. Criteria: Ambry Variant Classification Scheme 2023. Collection method: clinical testing. Allele origin: germline.
Comment: The p.K295I variant (also known as c.884A>T), located in coding exon 4 of the MSH6 gene, results from an A to T substitution at nucleotide position 884. The lysine at codon 295 is replaced by isoleucine, an amino acid with dissimilar properties. This variant was detected in a study of 1046 familial colorectal cancer cases and 1006 unrelated controls (Raskin L et al. Oncotarget, 2017 Nov;8:93450-93463). This variant has also been identified in probands whose Lynch syndrome-associated tumors demonstrated normal mismatch repair protein expression by immunohistochemistry (IHC) (Ambry internal data; Shirts BH et al. Genet Med, 2016 10;18:974-81). This amino acid position is highly conserved in available vertebrate species. In addition, the in silico prediction for this alteration is inconclusive. Based on the available evidence, the clinical significance of this variant remains unclear.

Labcorp Genetics (formerly Invitae), Labcorp
Classification: Uncertain significance for Hereditary nonpolyposis colorectal neoplasms. Last evaluated: 2024-03-21. Review status: criteria provided, single submitter. Criteria: Invitae Variant Classification Sherloc (09022015). Collection method: clinical testing. Allele origin: germline.
Comment: This sequence change replaces lysine, which is basic and polar, with isoleucine, which is neutral and non-polar, at codon 295 of the MSH6 protein (p.Lys295Ile). This variant is not present in population databases (gnomAD no frequency). This missense change has been observed in individual(s) with biliary tract cancer and/or colorectal cancer (PMID: 26845104, 29212164, 36243179). ClinVar contains an entry for this variant (Variation ID: 187266). Advanced modeling of protein sequence and biophysical properties (such as structural, functional, and spatial information, amino acid conservation, physicochemical variation, residue mobility, and thermodynamic stability) performed at Invitae indicates that this missense variant is not expected to disrupt MSH6 protein function with a negative predictive value of 95%. In summary, the available evidence is currently insufficient to determine the role of this variant in disease. Therefore, it has been classified as a Variant of Uncertain Significance.

GeneDx
Classification: Uncertain significance. Last evaluated: 2021-05-11. Review status: criteria provided, single submitter. Criteria: GeneDx Variant Classification Process June 2021. Collection method: clinical testing. Allele origin: germline. Affected: yes.
Comment: Not observed in large population cohorts (Lek 2016); In silico analysis supports that this missense variant has a deleterious effect on protein structure/function; Observed in an individual with colorectal cancer (Raskin 2017); This variant is associated with the following publications: (PMID: 29212164)

Color Diagnostics, LLC DBA Color Health
Classification: Uncertain significance for Hereditary cancer-predisposing syndrome. Last evaluated: 2018-08-30. Review status: criteria provided, single submitter. Criteria: ACMG Guidelines, 2015. Collection method: clinical testing. Allele origin: germline.

University of Washington Department of Laboratory Medicine, University of Washington
Classification: Uncertain significance for Hereditary nonpolyposis colon cancer. Last evaluated: 2015-11-20. Review status: criteria provided, single submitter. Criteria: Shirts et al. (Genet Med 2016). Collection method: clinical testing. Allele origin: germline. Affected: yes. Observed: 1 variant allele.

Breakthrough Genomics
Classification: Uncertain significance. Review status: criteria provided, single submitter. Criteria: ACMG Guidelines, 2015. Collection method: not provided. Allele origin: germline. Inheritance: Autosomal recessive inheritance. Affected: yes.

Literature cited by the submitters: PubMed 26845104 (cited by Ambry Genetics and Labcorp Genetics (formerly Invitae), Labcorp); PubMed 29212164 (cited by Ambry Genetics and Labcorp Genetics (formerly Invitae), Labcorp); PubMed 36243179 (cited by Labcorp Genetics (formerly Invitae), Labcorp).